The following is an entry in ClinVar:

NM_003072.5(SMARCA4):c.3976G>A (p.Glu1326Lys)

Gene: SMARCA4 (SWI/SNF related BAF chromatin remodeling complex subunit ATPase 4; plus strand). Cytogenetic location: 19p13.2.
Variant type: single nucleotide variant.
Coding change: c.3976G>A on transcript NM_003072.5 (MANE Select); coding-DNA position 3976, G replaced by A.
Protein change: p.Glu1326Lys; replaces glutamic acid 1326 with lysine.
Molecular consequence: missense variant. On other transcripts: non-coding transcript variant (1).
Genome position (GRCh38, 1-based): chr19:11,034,938, G>A. VCF-style: chr19-11034938-G-A. GRCh37 (hg19) VCF-style: chr19-11145614-G-A.
Other names: c.3976G>A, p.Glu1326Lys (NM_001128844.3, NM_001128849.3, NM_001387283.1); c.3877G>A, p.Glu1293Lys (NM_001128845.2, NM_001128846.2, NM_001128847.4 and 2 more transcripts); short protein forms E1293K, E1326K.
Identifiers: ClinVar variation 652363 (VCV000652363.14), dbSNP rs1482864360, ClinGen allele CA404068032.

ClinVar aggregate classification (germline): Uncertain significance. Review status: criteria provided, multiple submitters, no conflicts (2 of 4 stars). 3 submissions from 3 submitters: Uncertain significance (3). Last evaluated 2025-12-01.

Conditions:
Hereditary cancer-predisposing syndrome. Also called: Neoplastic Syndromes, Hereditary; Tumor predisposition; Hereditary Cancer Syndrome; Hereditary neoplastic syndrome. Identifiers: Orphanet 140162, MedGen C0027672, MeSH D009386, MONDO:0015356.
Rhabdoid tumor predisposition syndrome 2 (RTPS2). Identifiers: Orphanet 231108, Orphanet 69077, MedGen C2750074, MONDO:0013224, OMIM 613325.
Intellectual disability, autosomal dominant 16 (CSS4). Also called: COFFIN-SIRIS SYNDROME 4. Identifiers: Orphanet 1465, MedGen C3553249, MONDO:0013821, OMIM 614609.

gnomAD v4.1: 8 of 1,580,918 alleles (0.00051%); highest among the groups gnomAD compares: Non-Finnish European, 0.00069%; no homozygotes.

Submissions (3):

Ambry Genetics
Classification: Uncertain significance for Hereditary cancer-predisposing syndrome. Last evaluated: 2025-12-01. Review status: criteria provided, single submitter. Criteria: Ambry Variant Classification Scheme 2023. Collection method: clinical testing. Allele origin: germline.
Comment: The p.E1326K variant (also known as c.3976G>A), located in coding exon 28 of the SMARCA4 gene, results from a G to A substitution at nucleotide position 3976. The glutamic acid at codon 1326 is replaced by lysine, an amino acid with similar properties. This variant was detected as heterozygous in individual(s) with no reported features of Coffin-Siris syndrome (Ambry internal data). This amino acid position is highly conserved in available vertebrate species. In addition, the in silico prediction for this alteration is inconclusive. Based on the supporting evidence, the association of this alteration with rhabdoid tumor predisposition syndrome is unknown; however, the association of this alteration with Coffin-Siris syndrome is unlikely.

Labcorp Genetics (formerly Invitae), Labcorp
Classification: Uncertain significance for Rhabdoid tumor predisposition syndrome 2. Last evaluated: 2023-12-06. Review status: criteria provided, single submitter. Criteria: Invitae Variant Classification Sherloc (09022015). Collection method: clinical testing. Allele origin: germline.
Comment: This sequence change replaces glutamic acid, which is acidic and polar, with lysine, which is basic and polar, at codon 1326 of the SMARCA4 protein (p.Glu1326Lys). This variant is not present in population databases (gnomAD no frequency). This variant has not been reported in the literature in individuals affected with SMARCA4-related conditions. ClinVar contains an entry for this variant (Variation ID: 652363). Advanced modeling of protein sequence and biophysical properties (such as structural, functional, and spatial information, amino acid conservation, physicochemical variation, residue mobility, and thermodynamic stability) has been performed at Invitae for this missense variant, however the output from this modeling did not meet the statistical confidence thresholds required to predict the impact of this variant on SMARCA4 protein function. In summary, the available evidence is currently insufficient to determine the role of this variant in disease. Therefore, it has been classified as a Variant of Uncertain Significance.

Genome-Nilou Lab
Classification: Uncertain significance for Intellectual disability, autosomal dominant 16. Last evaluated: 2021-07-15. Review status: criteria provided, single submitter. Criteria: ACMG Guidelines, 2015. Collection method: clinical testing. Allele origin: germline. Affected: no.